The following is an entry in ClinVar:

ClinVar aggregate classification (germline): Uncertain significance (1 of 4 stars; one submission).

Conditions:
3-methylcrotonyl-CoA carboxylase 2 deficiency. Also called: METHYLCROTONYLGLYCINURIA, TYPE II; 3 alpha methylcrotonyl-CoA carboxylase 2 deficiency; 3 alpha methylcrotonylglycinuria 2; MCC 2 deficiency; Methylcrotonylglycinuria type 2. Identifiers: Orphanet 6, MedGen C1859499, MONDO:0008862, OMIM 210210.

Submissions (2):

Labcorp Genetics (formerly Invitae), Labcorp
Classification: Uncertain significance for 3-methylcrotonyl-CoA carboxylase 2 deficiency. Last evaluated: 2024-10-02. Review status: criteria provided, single submitter. Criteria: Invitae Variant Classification Sherloc (09022015). Collection method: clinical testing. Allele origin: germline.
Comment: This sequence change replaces methionine, which is neutral and non-polar, with valine, which is neutral and non-polar, at codon 49 of the MCCC2 protein (p.Met49Val). This variant is not present in population databases (gnomAD no frequency). This variant has not been reported in the literature in individuals affected with MCCC2-related conditions. Invitae Evidence Modeling of protein sequence and biophysical properties (such as structural, functional, and spatial information, amino acid conservation, physicochemical variation, residue mobility, and thermodynamic stability) has been performed for this missense variant. However, the output from this modeling did not meet the statistical confidence thresholds required to predict the impact of this variant on MCCC2 protein function. In summary, the available evidence is currently insufficient to determine the role of this variant in disease. Therefore, it has been classified as a Variant of Uncertain Significance.

Dr. Peter K. Rogan Lab, Western University
No classification provided (evidence only). Condition: Melanoma. Review status: no classification provided. Collection method: in vitro. Allele origin: not applicable. Functional consequence: skipped exon. Not counted in ClinVar's aggregate classification.

NM_022132.5(MCCC2):c.145A>G (p.Met49Val)

Gene: MCCC2 (methylcrotonyl-CoA carboxylase subunit 2; plus strand). Cytogenetic location: 5q13.2.
Variant type: single nucleotide variant.
Coding change: c.145A>G on transcript NM_022132.5 (MANE Select); coding-DNA position 145, A replaced by G.
Protein change: p.Met49Val; replaces methionine 49 with valine.
Molecular consequence: missense variant.
Genome position (GRCh38, 1-based): chr5:71,592,941, A>G. VCF-style: chr5-71592941-A-G. GRCh37 (hg19) VCF-style: chr5-70888768-A-G.
Other names: c.145A>G, p.Met49Val (NM_001363147.1); short protein forms M49V.
Identifiers: ClinVar variation 3658300 (VCV003658300.3).